The following is an entry in ClinVar:

ClinVar aggregate classification (germline): Uncertain significance (1 of 4 stars; one submission).

Conditions:
Atrioventricular septal defect 4 (AVSD4). Identifiers: MedGen C3280781, MONDO:0013747, OMIM 614430.

Allele frequency attached by ClinVar (database versions not stated): TOPMed 0.00001.
gnomAD v4.1: 2 of 1,531,154 alleles (0.00013%); highest among the groups gnomAD compares: East Asian, 0.0049%; no homozygotes.

Submission:

Labcorp Genetics (formerly Invitae), Labcorp
Classification: Uncertain significance for Atrioventricular septal defect 4. Last evaluated: 2024-04-29. Review status: criteria provided, single submitter. Criteria: Invitae Variant Classification Sherloc (09022015). Collection method: clinical testing. Allele origin: germline.
Comment: This sequence change replaces glycine, which is neutral and non-polar, with alanine, which is neutral and non-polar, at codon 50 of the GATA4 protein (p.Gly50Ala). This variant is not present in population databases (gnomAD no frequency). This variant has not been reported in the literature in individuals affected with GATA4-related conditions. ClinVar contains an entry for this variant (Variation ID: 950878). Advanced modeling of protein sequence and biophysical properties (such as structural, functional, and spatial information, amino acid conservation, physicochemical variation, residue mobility, and thermodynamic stability) performed at Invitae indicates that this missense variant is not expected to disrupt GATA4 protein function with a negative predictive value of 80%. In summary, the available evidence is currently insufficient to determine the role of this variant in disease. Therefore, it has been classified as a Variant of Uncertain Significance.

NM_001308093.3(GATA4):c.149G>C (p.Gly50Ala)

Gene: GATA4 (GATA binding protein 4). Cytogenetic location: 8p23.1.
Variant type: single nucleotide variant.
Coding change: c.149G>C on transcript NM_001308093.3 (MANE Select); coding-DNA position 149, G replaced by C.
Protein change: p.Gly50Ala; replaces glycine 50 with alanine.
Molecular consequence: missense variant. On other transcripts: intron variant (3).
Genome position (GRCh38, 1-based): chr8:11,708,461, G>C. VCF-style: chr8-11708461-G-C. GRCh37 (hg19) VCF-style: chr8-11565970-G-C.
Other names: c.149G>C, p.Gly50Ala (NM_002052.5); c.-6+7683G>C (NM_001308094.2); c.-3+447G>C (NM_001374274.1); c.-3+4157G>C (NM_001374273.1); short protein forms G50A.
Identifiers: ClinVar variation 950878 (VCV000950878.9), dbSNP rs570058215, ClinGen allele CA370309003.